The following is an entry in ClinVar:

NM_002907.4(RECQL):c.1702T>C (p.Ser568Pro)

Genes: PYROXD1 (pyridine nucleotide-disulphide oxidoreductase domain 1; plus strand), RECQL (RecQ like helicase; minus strand). Cytogenetic location: 12p12.1.
Variant type: single nucleotide variant.
Coding change: c.1702T>C on transcript NM_002907.4 (MANE Select); coding-DNA position 1702, T replaced by C.
Protein change: p.Ser568Pro; replaces serine 568 with proline.
Molecular consequence: missense variant. On other transcripts: 3 prime UTR variant (3).
Genome position (GRCh38, 1-based): chr12:21,471,064, A>G on the plus strand (T>C on the coding strand, the complement: RECQL is on the minus strand). VCF-style: chr12-21471064-A-G. GRCh37 (hg19) VCF-style: chr12-21623998-A-G.
Other names: c.1702T>C, p.Ser568Pro (NM_032941.3); c.*2310A>G (NM_001350912.2, NM_001350913.2, NM_024854.5); short protein forms S568P.
Identifiers: ClinVar variation 4152305 (VCV004152305.1).

ClinVar aggregate classification (germline): Uncertain significance (1 of 4 stars; one submission).

Submission:

Ambry Genetics
Classification: Uncertain significance. Last evaluated: 2025-06-25. Review status: criteria provided, single submitter. Criteria: Ambry Variant Classification Scheme 2023. Collection method: clinical testing. Allele origin: germline.
Comment: The p.S568P variant (also known as c.1702T>C), located in coding exon 13 of the RECQL gene, results from a T to C substitution at nucleotide position 1702. The serine at codon 568 is replaced by proline, an amino acid with similar properties. This amino acid position is conserved. In addition, this alteration is predicted to be tolerated by in silico analysis. Based on the available evidence, the clinical significance of this variant remains unclear.